The following is an entry in ClinVar:

NM_001005498.4(RHBDF2):c.484G>C (p.Ala162Pro)

Gene: RHBDF2 (rhomboid 5 homolog 2; minus strand). Cytogenetic location: 17q25.1.
Variant type: single nucleotide variant.
Coding change: c.484G>C on transcript NM_001005498.4 (MANE Select); coding-DNA position 484, G replaced by C.
Protein change: p.Ala162Pro; replaces alanine 162 with proline.
Molecular consequence: missense variant. On other transcripts: non-coding transcript variant (3).
Genome position (GRCh38, 1-based): chr17:76,478,994, C>G on the plus strand (G>C on the coding strand, the complement: RHBDF2 is on the minus strand). VCF-style: chr17-76478994-C-G. GRCh37 (hg19) VCF-style: chr17-74475076-C-G.
Other names: c.484G>C, p.Ala162Pro (NM_001376228.1, NM_001376229.1, NM_001376230.1); c.571G>C, p.Ala191Pro (NM_024599.5); short protein forms A191P, A162P.
Identifiers: ClinVar variation 2026831 (VCV002026831.4), dbSNP rs754079094, ClinGen allele CA401172007.
Genomic context (GRCh38, chr17:76,478,994, plus strand): 5'-GTGGGTGCGGGGCGTGGGGCCTGTCCATCTCCTCCGGGTGGCGGAAGGCCCGGCCCCGGG[C>G]CAGCGGATCCACAATCTGGAAGGGAGGGGGGCGGTAAGCAGAGCCATTAGGGTCCCCACC-3'
Protein context (NP_001005498.2, residues 152-172): CKMPKIVDPL[Ala162Pro]RGRAFRHPEE

ClinVar aggregate classification (germline): Uncertain significance (1 of 4 stars; one submission).

Submission:

Labcorp Genetics (formerly Invitae), Labcorp
Classification: Uncertain significance. Last evaluated: 2024-11-12. Review status: criteria provided, single submitter. Criteria: Invitae Variant Classification Sherloc (09022015). Collection method: clinical testing. Allele origin: germline.
Comment: This sequence change replaces alanine, which is neutral and non-polar, with proline, which is neutral and non-polar, at codon 191 of the RHBDF2 protein (p.Ala191Pro). This variant is not present in population databases (gnomAD no frequency). This variant has not been reported in the literature in individuals affected with RHBDF2-related conditions. ClinVar contains an entry for this variant (Variation ID: 2026831). An algorithm developed to predict the effect of missense changes on protein structure and function (PolyPhen-2) suggests that this variant is likely to be disruptive. In summary, the available evidence is currently insufficient to determine the role of this variant in disease. Therefore, it has been classified as a Variant of Uncertain Significance.